The following is an entry in ClinVar:

ClinVar aggregate classification (germline): Uncertain significance. Review status: criteria provided, multiple submitters, no conflicts (2 of 4 stars). 5 submissions from 5 submitters: Uncertain significance (5). Last evaluated 2026-06-09.

Conditions:
Primary dilated cardiomyopathy (DCM). Also called: Dilated Cardiomyopathy. Identifiers: Orphanet 217604, MedGen C0007193, MeSH D002311, MONDO:0005021, HP:0001644. Inheritance: Various modes of inheritance.
Cardiovascular phenotype. Identifiers: MedGen CN230736.
Atrial septal defect 4 (ASD4). Identifiers: Orphanet 1478, MedGen C1969657, MONDO:0012654, OMIM 611363.

Allele frequency attached by ClinVar (database versions not stated): gnomAD exomes 0.00003 and 0.00002; gnomAD 0.00001 and 0.00003; TOPMed 0.00003; ExAC 0.00002.

Submissions (5):

Ambry Genetics
Classification: Uncertain significance for Cardiovascular phenotype. Last evaluated: 2026-06-09. Review status: criteria provided, single submitter. Criteria: Ambry Variant Classification Scheme 2023. Collection method: clinical testing. Allele origin: germline.
Comment: The c.395C>T (p.T132I) alteration is located in exon 3 (coding exon 3) of the TBX20 gene. This alteration results from a C to T substitution at nucleotide position 395, causing the threonine (T) at amino acid position 132 to be replaced by an isoleucine (I). Based on data from gnomAD, the T allele has an overall frequency of 0.003% (8/282868) total alleles studied. The highest observed frequency was 0.017% (6/35440) of Latino alleles. Based on insufficient or conflicting evidence, the clinical significance of this alteration remains unclear.

GeneDx
Classification: Uncertain significance. Last evaluated: 2026-02-16. Review status: criteria provided, single submitter. Criteria: GeneDx Variant Classification Process June 2021. Collection method: clinical testing. Allele origin: germline.
Comment: In silico analysis supports that this missense variant has a deleterious effect on protein structure/function; Has not been previously published as pathogenic or benign to our knowledge

Dasa
Classification: Uncertain significance for dilated cardiomyopathy. Last evaluated: 2025-11-10. Review status: criteria provided, single submitter. Criteria: DASA Assertion Criteria. Collection method: clinical testing. Allele origin: germline.
Comment: NM_001077653.2(TBX20):c.395C>T (p.Thr132Ile) is a missense variant that results in the substitution of threonine with isoleucine. This variant is rare in population databases. Computational prediction algorithms are consistent with a deleterious effect. The currently available literature and clinical evidence are not sufficient to establish a definitive association between this variant and the reported condition. Therefore, this variant is classified as a variant of uncertain significance.

Labcorp Genetics (formerly Invitae), Labcorp
Classification: Uncertain significance. Last evaluated: 2025-04-20. Review status: criteria provided, single submitter. Criteria: Invitae Variant Classification Sherloc (09022015). Collection method: clinical testing. Allele origin: germline.
Comment: This sequence change replaces threonine, which is neutral and polar, with isoleucine, which is neutral and non-polar, at codon 132 of the TBX20 protein (p.Thr132Ile). This variant is present in population databases (rs200630726, gnomAD 0.02%). This variant has not been reported in the literature in individuals affected with TBX20-related conditions. ClinVar contains an entry for this variant (Variation ID: 1414602). Invitae Evidence Modeling of protein sequence and biophysical properties (such as structural, functional, and spatial information, amino acid conservation, physicochemical variation, residue mobility, and thermodynamic stability) has been performed for this missense variant. However, the output from this modeling did not meet the statistical confidence thresholds required to predict the impact of this variant on TBX20 protein function. In summary, the available evidence is currently insufficient to determine the role of this variant in disease. Therefore, it has been classified as a Variant of Uncertain Significance.

Fulgent Genetics
Classification: Uncertain significance for Atrial septal defect 4. Last evaluated: 2021-09-08. Review status: criteria provided, single submitter. Criteria: ACMG Guidelines, 2015. Collection method: clinical testing. Allele origin: unknown.

NM_001077653.2(TBX20):c.395C>T (p.Thr132Ile)

Gene: TBX20 (T-box transcription factor 20; minus strand). Cytogenetic location: 7p14.2.
Variant type: single nucleotide variant.
Coding change: c.395C>T on transcript NM_001077653.2 (MANE Select); coding-DNA position 395, C replaced by T.
Protein change: p.Thr132Ile; replaces threonine 132 with isoleucine.
Molecular consequence: missense variant.
Genome position (GRCh38, 1-based): chr7:35,248,827, G>A on the plus strand (C>T on the coding strand, the complement: TBX20 is on the minus strand). VCF-style: chr7-35248827-G-A. GRCh37 (hg19) VCF-style: chr7-35288439-G-A.
Other names: c.395C>T, p.Thr132Ile (NM_001166220.1); short protein forms T132I.
Identifiers: ClinVar variation 1414602 (VCV001414602.12), dbSNP rs200630726, ClinGen allele CA4217513.